The following is an entry in ClinVar:

ClinVar aggregate classification (germline): Uncertain significance (1 of 4 stars; one submission).

Allele frequency attached by ClinVar (database versions not stated): ExAC 0.00003; gnomAD 0.00003; gnomAD exomes 0.00004; TOPMed 0.00002; ESP Exome Variant Server 0.00008.
gnomAD v4.1: 27 of 1,612,962 alleles (0.0017%); highest among the groups gnomAD compares: African/African-American, 0.008%; no homozygotes.

Submission:

Labcorp Genetics (formerly Invitae), Labcorp
Classification: Uncertain significance. Last evaluated: 2021-03-10. Review status: criteria provided, single submitter. Criteria: Invitae Variant Classification Sherloc (09022015). Collection method: clinical testing. Allele origin: germline.
Comment: This variant has not been reported in the literature in individuals with LMF1-related conditions. Algorithms developed to predict the effect of missense changes on protein structure and function output the following: SIFT: "Deleterious"; PolyPhen-2: "Benign"; Align-GVGD: "Class C0". The tryptophan amino acid residue is found in multiple mammalian species, suggesting that this missense change does not adversely affect protein function. These predictions have not been confirmed by published functional studies and their clinical significance is uncertain. In summary, the available evidence is currently insufficient to determine the role of this variant in disease. Therefore, it has been classified as a Variant of Uncertain Significance. This variant is present in population databases (rs375836686, ExAC 0.02%). This sequence change replaces arginine with tryptophan at codon 204 of the LMF1 protein (p.Arg204Trp). The arginine residue is weakly conserved and there is a moderate physicochemical difference between arginine and tryptophan.

NM_022773.4(LMF1):c.610C>T (p.Arg204Trp)

Gene: LMF1 (lipase maturation factor 1; minus strand). Cytogenetic location: 16p13.3.
Variant type: single nucleotide variant.
Coding change: c.610C>T on transcript NM_022773.4 (MANE Select); coding-DNA position 610, C replaced by T.
Protein change: p.Arg204Trp; replaces arginine 204 with tryptophan.
Molecular consequence: missense variant. On other transcripts: 5 prime UTR variant (2), non-coding transcript variant (1).
Genome position (GRCh38, 1-based): chr16:910,984, G>A on the plus strand (C>T on the coding strand, the complement: LMF1 is on the minus strand). VCF-style: chr16-910984-G-A. GRCh37 (hg19) VCF-style: chr16-960984-G-A.
Other names: c.-42C>T (NM_001352017.2, NM_001352021.2); c.211C>T, p.Arg71Trp (NM_001352018.2); c.283C>T, p.Arg95Trp (NM_001352019.2); c.610C>T, p.Arg204Trp (NM_001352020.1); short protein forms R71W, R204W, R95W.
Identifiers: ClinVar variation 1362206 (VCV001362206.8), dbSNP rs375836686, ClinGen allele CA7797452.